The following is an entry in ClinVar:

NM_000093.5(COL5A1):c.197G>C (p.Arg66Pro)

Gene: COL5A1 (collagen type V alpha 1 chain; plus strand). Cytogenetic location: 9q34.3.
Variant type: single nucleotide variant.
Coding change: c.197G>C on transcript NM_000093.5 (MANE Select); coding-DNA position 197, G replaced by C.
Protein change: p.Arg66Pro; replaces arginine 66 with proline.
Molecular consequence: missense variant.
Genome position (GRCh38, 1-based): chr9:134,690,999, G>C. VCF-style: chr9-134690999-G-C. GRCh37 (hg19) VCF-style: chr9-137582845-G-C.
Other names: c.197G>C, p.Arg66Pro (NM_001278074.1); short protein forms R66P.
Identifiers: ClinVar variation 664727 (VCV000664727.10), dbSNP rs146074704, ClinGen allele CA375440468.

ClinVar aggregate classification (germline): Uncertain significance (1 of 4 stars; one submission).

Conditions:
Ehlers-Danlos syndrome, classic type, 1 (EDSCL1). Also called: EDS I; EHLERS-DANLOS SYNDROME, GRAVIS TYPE; EHLERS-DANLOS SYNDROME, SEVERE CLASSIC TYPE; Ehlers-Danlos Syndrome, Classic Type, COL5A1-Related; Ehlers-Danlos syndrome, type 1. Identifiers: MedGen C0268335, MONDO:0019567, OMIM 130000.

Allele frequency attached by ClinVar (database versions not stated): TOPMed 0.00001.
gnomAD v4.1: 4 of 1,613,720 alleles (0.00025%); highest among the groups gnomAD compares: Non-Finnish European, 0.00034%; no homozygotes.

Submission:

Labcorp Genetics (formerly Invitae), Labcorp
Classification: Uncertain significance for Ehlers-Danlos syndrome, classic type, 1. Last evaluated: 2018-08-06. Review status: criteria provided, single submitter. Criteria: Invitae Variant Classification Sherloc (09022015). Collection method: clinical testing. Allele origin: germline.
Comment: This variant has not been reported in the literature in individuals with COL5A1-related disease. In summary, the available evidence is currently insufficient to determine the role of this variant in disease. Therefore, it has been classified as a Variant of Uncertain Significance. Algorithms developed to predict the effect of missense changes on protein structure and function are either unavailable or do not agree on the potential impact of this missense change (SIFT: "Deleterious"; PolyPhen-2: "Probably Damaging"; Align-GVGD: "Class C0"). This variant is not present in population databases (ExAC no frequency). This sequence change replaces arginine with proline at codon 66 of the COL5A1 protein (p.Arg66Pro). The arginine residue is moderately conserved and there is a moderate physicochemical difference between arginine and proline.